The following is an entry in ClinVar:

NM_001197104.2(KMT2A):c.9139C>T (p.Gln3047Ter)

Gene: KMT2A (lysine methyltransferase 2A; plus strand). Cytogenetic location: 11q23.3.
Variant type: single nucleotide variant.
Coding change: c.9139C>T on transcript NM_001197104.2 (MANE Select); coding-DNA position 9139, C replaced by T.
Protein change: p.Gln3047Ter; replaces glutamine 3047 with a stop codon.
Molecular consequence: nonsense.
Genome position (GRCh38, 1-based): chr11:118,505,031, C>T. VCF-style: chr11-118505031-C-T. GRCh37 (hg19) VCF-style: chr11-118375746-C-T.
Other names: c.9130C>T, p.Gln3044Ter (NM_005933.4); short protein forms Q3047*, Q3044*.
Identifiers: ClinVar variation 546223 (VCV000546223.2), dbSNP rs1555047532, ClinGen allele CA382818580.
Genomic context (GRCh38, chr11:118,505,031, plus strand): 5'-AGGAACAGTAGCACCCCTGGCCTTCAGGTACCTGTTTCCCCAACTGTTCCCATCCAGAAC[C>T]AGAAGTATGTGCCCAATTCTACTGATAGTCCTGGCCCGTCTCAGATTTCCAATGCAGCTG-3'

ClinVar aggregate classification (germline): Pathogenic (1 of 4 stars; one submission).

Submission:

GeneDx
Classification: Pathogenic. Last evaluated: 2018-05-29. Review status: criteria provided, single submitter. Criteria: GeneDx Variant Classification (06012015). Collection method: clinical testing. Allele origin: germline. Affected: yes.
Comment: The Q3047X variant in the KMT2A gene has not been reported previously as a pathogenic variant nor as a benign variant to our knowledge. This variant is predicted to cause loss of normal protein function either through protein truncation or nonsense-mediated mRNA decay. The Q3047X variant is not observed in large population cohorts (Lek et al., 2016). We interpret Q3047X as a pathogenic variant.